The following is an entry in ClinVar:

ClinVar aggregate classification (germline): Uncertain significance. Review status: criteria provided, multiple submitters, no conflicts (2 of 4 stars). 2 submissions from 2 submitters: Uncertain significance (2). Last evaluated 2025-09-01.

Conditions:
Inborn genetic diseases. Identifiers: MedGen C0950123, MeSH D030342.

Allele frequency attached by ClinVar (database versions not stated): gnomAD 0.00001; TOPMed 0.00001; ExAC 0.00002; gnomAD exomes 0.00002.
gnomAD v4.1: 14 of 1,614,034 alleles (0.00087%); highest among the groups gnomAD compares: Admixed American, 0.022%; no homozygotes.

Submissions (2):

Ambry Genetics
Classification: Uncertain significance for Inborn genetic diseases. Last evaluated: 2025-09-01. Review status: criteria provided, single submitter. Criteria: Ambry Variant Classification Scheme 2023. Collection method: clinical testing. Allele origin: germline.

Labcorp Genetics (formerly Invitae), Labcorp
Classification: Uncertain significance. Last evaluated: 2022-03-11. Review status: criteria provided, single submitter. Criteria: Invitae Variant Classification Sherloc (09022015). Collection method: clinical testing. Allele origin: germline.
Comment: In summary, the available evidence is currently insufficient to determine the role of this variant in disease. Therefore, it has been classified as a Variant of Uncertain Significance. Algorithms developed to predict the effect of missense changes on protein structure and function (SIFT, PolyPhen-2, Align-GVGD) all suggest that this variant is likely to be tolerated. This variant has not been reported in the literature in individuals affected with ARFGEF2-related conditions. This variant is present in population databases (rs749536127, gnomAD 0.03%). This sequence change replaces glycine, which is neutral and non-polar, with arginine, which is basic and polar, at codon 1023 of the ARFGEF2 protein (p.Gly1023Arg).

NM_006420.3(ARFGEF2):c.3067G>A (p.Gly1023Arg)

Gene: ARFGEF2 (ARF guanine nucleotide exchange factor 2; plus strand). Cytogenetic location: 20q13.13.
Variant type: single nucleotide variant.
Coding change: c.3067G>A on transcript NM_006420.3 (MANE Select); coding-DNA position 3067, G replaced by A.
Protein change: p.Gly1023Arg; replaces glycine 1023 with arginine.
Molecular consequence: missense variant.
Genome position (GRCh38, 1-based): chr20:48,994,544, G>A. VCF-style: chr20-48994544-G-A. GRCh37 (hg19) VCF-style: chr20-47611081-G-A.
Other names: c.3067G>A (NM_006420.2); c.3064G>A, p.Gly1022Arg (NM_001410846.1); short protein forms G1023R, G1022R.
Identifiers: ClinVar variation 2040920 (VCV002040920.3), dbSNP rs749536127, ClinGen allele CA9898811.